The following is an entry in ClinVar:

NM_032387.5(WNK4):c.1888T>C (p.Ser630Pro)

Gene: WNK4 (WNK lysine deficient protein kinase 4; plus strand). Cytogenetic location: 17q21.2.
Variant type: single nucleotide variant.
Coding change: c.1888T>C on transcript NM_032387.5 (MANE Select); coding-DNA position 1888, T replaced by C.
Protein change: p.Ser630Pro; replaces serine 630 with proline.
Molecular consequence: missense variant.
Genome position (GRCh38, 1-based): chr17:42,788,154, T>C. VCF-style: chr17-42788154-T-C. GRCh37 (hg19) VCF-style: chr17-40940172-T-C.
Other names: c.880T>C, p.Ser294Pro (NM_001321299.2); short protein forms S630P, S294P.
Identifiers: ClinVar variation 323333 (VCV000323333.36), dbSNP rs56030257, ClinGen allele CA8584149.

ClinVar aggregate classification (germline): Conflicting classifications of pathogenicity. Review status: criteria provided, conflicting classifications (1 of 4 stars). 6 submissions from 6 submitters: Uncertain significance (1); Benign (3); Likely benign (1). 1 of the submissions does not count toward it. Last evaluated 2026-06-18.

Conditions:
Pseudohypoaldosteronism type 2B (PHA2B). Also called: Pseudohypoaldosteronism Type IIB. Identifiers: Orphanet 757, Orphanet 88939, MedGen C1840390, MONDO:0013777, OMIM 614491.
WNK4-related disorder. Also called: WNK4-related condition.

Allele frequency attached by ClinVar (database versions not stated): 1000 Genomes Project 30x 0.00047; ExAC 0.00050; ESP Exome Variant Server 0.00054; 1000 Genomes Project 0.00060; gnomAD exomes 0.00066 and 0.00069; TOPMed 0.00072; gnomAD 0.00076.
gnomAD v4.1: 1,148 of 1,614,184 alleles (0.071%); highest among the groups gnomAD compares: Admixed American, 0.15%; no homozygotes.

Submissions (6):

Women's Health and Genetics/Laboratory Corporation of America, LabCorp
Classification: Uncertain significance. Last evaluated: 2026-06-18. Review status: criteria provided, single submitter. Criteria: LabCorp Variant Classification Summary - May 2015. Collection method: clinical testing. Allele origin: germline.
Comment: Variant summary: WNK4 c.1888T>C (p.Ser630Pro) results in a non-conservative amino acid change in the encoded protein sequence. Algorithms developed to predict the effect of missense changes on protein structure and function are either unavailable or do not agree on the potential impact of this missense change. The variant allele was found at a frequency of 0.00066 in 251412 control chromosomes. This frequency is not significantly higher than estimated for disease-causing variants in WNK4, allowing no conclusion about variant significance. To our knowledge, no occurrence of c.1888T>C in individuals affected with WNK4-related conditions and no experimental evidence demonstrating its impact on protein function have been reported. ClinVar contains an entry for this variant (Variation ID: 323333). Based on the evidence outlined above, the variant was classified as uncertain significance.

Labcorp Genetics (formerly Invitae), Labcorp
Classification: Benign. Last evaluated: 2025-10-08. Review status: criteria provided, single submitter. Criteria: Invitae Variant Classification Sherloc (09022015). Collection method: clinical testing. Allele origin: germline.

Blueprint Genetics
Classification: Likely benign. Last evaluated: 2024-10-14. Review status: criteria provided, single submitter. Criteria: ACMG Guidelines, 2015. Collection method: clinical testing. Allele origin: germline.

CeGaT Center for Human Genetics Tuebingen
Classification: Benign. Last evaluated: 2023-06-01. Review status: criteria provided, single submitter. Criteria: CeGaT Center For Human Genetics Tuebingen Variant Classification Criteria Version 2. Collection method: clinical testing. Allele origin: germline. Affected: yes. Observed: 1 variant allele.
Comment: WNK4: BS1, BS2

Illumina Laboratory Services, Illumina
Classification: Benign for Pseudohypoaldosteronism type 2B. Last evaluated: 2018-01-13. Review status: criteria provided, single submitter. Criteria: ICSL Variant Classification Criteria 13 December 2019. Collection method: clinical testing. Allele origin: germline.
Comment: This variant was observed in the ICSL laboratory as part of a predisposition screen in an ostensibly healthy population. It had not been previously curated by ICSL or reported in the Human Gene Mutation Database (HGMD: prior to June 1st, 2018), and was therefore a candidate for classification through an automated scoring system. Utilizing variant allele frequency, disease prevalence and penetrance estimates, and inheritance mode, an automated score was calculated to assess if this variant is too frequent to cause the disease. Based on the score and internal cut-off values, a variant classified as benign is not then subjected to further curation. The score for this variant resulted in a classification of benign for this disease.

PreventionGenetics, part of Exact Sciences
Classification: Likely benign for WNK4-related condition. Last evaluated: 2021-01-04. Review status: no assertion criteria provided. Collection method: clinical testing. Allele origin: germline. Not counted in ClinVar's aggregate classification.
Comment: This variant is classified as likely benign based on ACMG/AMP sequence variant interpretation guidelines (Richards et al. 2015 PMID: 25741868, with internal and published modifications).